The following is an entry in ClinVar:

NM_025074.7(FRAS1):c.583C>T (p.Gln195Ter)

Gene: FRAS1 (Fraser extracellular matrix complex subunit 1; plus strand). Cytogenetic location: 4q21.21.
Variant type: single nucleotide variant.
Coding change: c.583C>T on transcript NM_025074.7 (MANE Select); coding-DNA position 583, C replaced by T.
Protein change: p.Gln195Ter; replaces glutamine 195 with a stop codon.
Molecular consequence: nonsense.
Genome position (GRCh38, 1-based): chr4:78,255,355, C>T. VCF-style: chr4-78255355-C-T. GRCh37 (hg19) VCF-style: chr4-79176509-C-T.
Other names: c.583C>T, p.Gln195Ter (NM_001166133.2); short protein forms Q195*.
Identifiers: ClinVar variation 4736067 (VCV004736067.1).

ClinVar aggregate classification (germline): Pathogenic (1 of 4 stars; one submission).

Submission:

Labcorp Genetics (formerly Invitae), Labcorp
Classification: Pathogenic. Last evaluated: 2026-01-24. Review status: criteria provided, single submitter. Criteria: Invitae Variant Classification Sherloc (09022015). Collection method: clinical testing. Allele origin: germline.
Comment: This sequence change creates a premature translational stop signal (p.Gln195*) in the FRAS1 gene. It is expected to result in an absent or disrupted protein product. Loss-of-function variants in FRAS1 are known to be pathogenic (PMID: 12766769, 18671281). This variant is not present in population databases (gnomAD no frequency). This variant has not been reported in the literature in individuals affected with FRAS1-related conditions. Algorithms developed to predict the effect of sequence changes on RNA splicing suggest that this variant may disrupt the consensus splice site. For these reasons, this variant has been classified as Pathogenic.

Literature cited by the submitters: PubMed 12766769; PubMed 18671281.